The following is an entry in ClinVar:

NM_002734.5(PRKAR1A):c.-6-2A>G

Gene: PRKAR1A (protein kinase cAMP-dependent type I regulatory subunit alpha; plus strand). Cytogenetic location: 17q24.2.
Variant type: single nucleotide variant.
Coding change: c.-6-2A>G on transcript NM_002734.5 (MANE Select); the canonical splice acceptor site of the intron before 6 bases upstream of the start codon, A replaced by G.
Molecular consequence: splice acceptor variant.
Genome position (GRCh38, 1-based): chr17:68,515,392, A>G. VCF-style: chr17-68515392-A-G. GRCh37 (hg19) VCF-style: chr17-66511533-A-G.
Other names: c.-6-2A>G (NM_001278433.2, NM_001369389.1, NM_212471.3 and 3 more transcripts).
Identifiers: ClinVar variation 1190891 (VCV001190891.10), dbSNP rs2143148184, ClinGen allele CA2499224881.
Genomic context (GRCh38, chr17:68,515,392, plus strand): 5'-AATGCCAGATTGACATTTTGCTTTATAGTTTATACAAGCATGTGTGTGTTTTTTTCTCGC[A>G]GAGAACCATGGAGTCTGGCAGTACCGCCGCCAGTGAGGAGGCACGCAGCCTTCGAGAATG-3'

ClinVar aggregate classification (germline): Conflicting classifications of pathogenicity. Review status: criteria provided, conflicting classifications (1 of 4 stars). 2 submissions from 2 submitters: Pathogenic (1); Uncertain significance (1). Last evaluated 2024-04-29.

Conditions:
Carney complex, type 1 (CNC1). Also called: CARNEY MYXOMA-ENDOCRINE COMPLEX; CARNEY COMPLEX, TYPE I. Identifiers: Orphanet 1359, MedGen C2607929, MONDO:0008057, OMIM 160980.

Allele frequency attached by ClinVar (database versions not stated): gnomAD exomes below 0.00001.
gnomAD v4.1: 1 of 1,613,008 alleles (0.000062%); highest among the groups gnomAD compares: South Asian, 0.0011%; no homozygotes.

Submissions (2):

Labcorp Genetics (formerly Invitae), Labcorp
Classification: Uncertain significance for Carney complex, type 1. Last evaluated: 2024-04-29. Review status: criteria provided, single submitter. Criteria: Invitae Variant Classification Sherloc (09022015). Collection method: clinical testing. Allele origin: germline.
Comment: This sequence change falls in intron 1 of the PRKAR1A gene. It does not directly change the encoded amino acid sequence of the PRKAR1A protein. It affects a nucleotide within the consensus splice site. This variant is not present in population databases (gnomAD no frequency). This variant has been observed in individual(s) with Carney complex (PMID: 11115848). ClinVar contains an entry for this variant (Variation ID: 1190891). Variants that disrupt the consensus splice site are a relatively common cause of aberrant splicing (PMID: 17576681, 9536098). Algorithms developed to predict the effect of sequence changes on RNA splicing suggest that this variant may disrupt the consensus splice site. In summary, the available evidence is currently insufficient to determine the role of this variant in disease. Therefore, it has been classified as a Variant of Uncertain Significance.

GeneDx
Classification: Pathogenic. Last evaluated: 2020-02-18. Review status: criteria provided, single submitter. Criteria: GeneDx Variant Classification Process June 2021. Collection method: clinical testing. Allele origin: germline. Affected: yes.
Comment: Canonical splice site variant predicted to result in a null allele in a gene for which loss-of-function is a known mechanism of disease; Not observed in large population cohorts (Lek 2016); This variant is associated with the following publications: (PMID: 18685116, 11115848, 25525159)

Literature cited by the submitters: PubMed 11115848 (cited by Labcorp Genetics (formerly Invitae), Labcorp); PubMed 17576681 (cited by Labcorp Genetics (formerly Invitae), Labcorp); PubMed 9536098 (cited by Labcorp Genetics (formerly Invitae), Labcorp).